The following is an entry in ClinVar:

ClinVar aggregate classification (germline): Uncertain significance (1 of 4 stars; one submission).

Submission:

Labcorp Genetics (formerly Invitae), Labcorp
Classification: Uncertain significance. Last evaluated: 2022-03-14. Review status: criteria provided, single submitter. Criteria: Invitae Variant Classification Sherloc (09022015). Collection method: clinical testing. Allele origin: germline.
Comment: In summary, the available evidence is currently insufficient to determine the role of this variant in disease. Therefore, it has been classified as a Variant of Uncertain Significance. Advanced modeling of protein sequence and biophysical properties (such as structural, functional, and spatial information, amino acid conservation, physicochemical variation, residue mobility, and thermodynamic stability) performed at Invitae indicates that this missense variant is not expected to disrupt NEFH protein function. This missense change has been observed in individual(s) with clinical features of NEFH-related conditions (PMID: 31788332). This variant is not present in population databases (gnomAD no frequency). This sequence change replaces glutamic acid, which is acidic and polar, with lysine, which is basic and polar, at codon 868 of the NEFH protein (p.Glu868Lys).

Literature cited by the submitters: PubMed 31788332.

NM_021076.4(NEFH):c.2602G>A (p.Glu868Lys)

Gene: NEFH (neurofilament heavy chain; plus strand). Cytogenetic location: 22q12.2.
Variant type: single nucleotide variant.
Coding change: c.2602G>A on transcript NM_021076.4 (MANE Select); coding-DNA position 2602, G replaced by A.
Protein change: p.Glu868Lys; replaces glutamic acid 868 with lysine.
Molecular consequence: missense variant.
Genome position (GRCh38, 1-based): chr22:29,490,242, G>A. VCF-style: chr22-29490242-G-A. GRCh37 (hg19) VCF-style: chr22-29886231-G-A.
Other names: short protein forms E868K.
Identifiers: ClinVar variation 1918266 (VCV001918266.5), dbSNP rs1295979036, ClinGen allele CA411138192.